The following is an entry in ClinVar:

ClinVar aggregate classification (germline): Pathogenic (1 of 4 stars; one submission).

Conditions:
Beckwith-Wiedemann syndrome (BWS). Also called: EMG SYNDROME; Exomphalos macroglossia gigantism syndrome. Identifiers: Orphanet 116, MedGen C0004903, MONDO:0007534, OMIM 130650.

Submission:

Labcorp Genetics (formerly Invitae), Labcorp
Classification: Pathogenic for Beckwith-Wiedemann syndrome. Last evaluated: 2022-03-08. Review status: criteria provided, single submitter. Criteria: Invitae Variant Classification Sherloc (09022015). Collection method: clinical testing. Allele origin: germline.
Comment: For these reasons, this variant has been classified as Pathogenic. This variant has not been reported in the literature in individuals affected with CDKN1C-related conditions. This variant is not present in population databases (gnomAD no frequency). This sequence change creates a premature translational stop signal (p.Asn260Serfs*8) in the CDKN1C gene. It is expected to result in an absent or disrupted protein product. Loss-of-function variants in CDKN1C are known to be pathogenic (PMID: 20503313).

Literature cited by the submitters: PubMed 20503313.

NM_001122630.2(CDKN1C):c.745_757del (p.Asn249fs)

Gene: CDKN1C (cyclin dependent kinase inhibitor 1C; minus strand). Cytogenetic location: 11p15.4.
Variant type: Deletion.
Coding change: c.745_757del on transcript NM_001122630.2 (MANE Select); coding-DNA positions 745 to 757, 13 bases deleted (AACGGCGCGGCGA).
Protein change: p.Asn249fs; shifts the reading frame from asparagine 249.
Molecular consequence: frameshift variant. On other transcripts: intron variant (1).
Genome position (GRCh38, 1-based): chr11:2,884,700-2,884,712, TCGCCGCGCCGTT deleted on the plus strand (AACGGCGCGGCGA on the coding strand, the reverse complement: CDKN1C is on the minus strand). VCF-style (leftmost placement, unchanged base first): chr11-2884699-ATCGCCGCGCCGTT-A. GRCh37 (hg19) VCF-style: chr11-2905929-ATCGCCGCGCCGTT-A.
Other names: c.778_790del, p.Asn260fs (NM_000076.2, NM_001362474.2); c.745_757del, p.Asn249fs (NM_001122631.2); c.255+490_255+502del (NM_001362475.2); short protein forms N260fs, N249fs.
Identifiers: ClinVar variation 1374542 (VCV001374542.8), dbSNP rs2133782023, ClinGen allele CA2573145961.